The following is an entry in ClinVar:

NM_000075.4(CDK4):c.522+8del

Gene: CDK4 (cyclin dependent kinase 4; minus strand). Cytogenetic location: 12q14.1.
Variant type: Deletion.
Coding change: c.522+8del on transcript NM_000075.4 (MANE Select); 8 bases into the intron after coding-DNA position 522, one base deleted (G; older notation c.522+8delG).
Molecular consequence: intron variant.
Genome position (GRCh38, 1-based): chr12:57,750,915, C deleted on the plus strand (G on the coding strand, the reverse complement: CDK4 is on the minus strand). VCF-style (leftmost placement, unchanged base first): chr12-57750914-TC-T. GRCh37 (hg19) VCF-style: chr12-58144697-TC-T.
Identifiers: ClinVar variation 3378728 (VCV003378728.1).

ClinVar aggregate classification (germline): Likely benign (1 of 4 stars; one submission).

Conditions:
Melanoma, cutaneous malignant, susceptibility to, 3. Also called: Cutaneous malignant melanoma 3. Identifiers: Orphanet 618, MedGen C1836892, MONDO:0012183, OMIM 609048.

Submission:

Myriad Genetics, Inc.
Classification: Likely benign for Melanoma, cutaneous malignant, susceptibility to, 3. Last evaluated: 2024-09-25. Review status: criteria provided, single submitter. Criteria: Myriad Autosomal Dominant, Autosomal Recessive and X-Linked Classification Criteria (2023). Collection method: clinical testing. Allele origin: unknown.
Comment: This variant is considered likely benign. This variant is intronic and is not expected to impact mRNA splicing.